The following is an entry in ClinVar:

NM_016023.5(OTUD6B):c.658G>A (p.Val220Ile)

Gene: OTUD6B (OTU deubiquitinase 6B; plus strand). Cytogenetic location: 8q21.3.
Variant type: single nucleotide variant.
Coding change: c.658G>A on transcript NM_016023.5 (MANE Select); coding-DNA position 658, G replaced by A.
Protein change: p.Val220Ile; replaces valine 220 with isoleucine.
Molecular consequence: missense variant.
Genome position (GRCh38, 1-based): chr8:91,080,698, G>A. VCF-style: chr8-91080698-G-A. GRCh37 (hg19) VCF-style: chr8-92092926-G-A.
Other names: c.355G>A, p.Val119Ile (NM_001286745.3); short protein forms V220I, V119I.
Identifiers: ClinVar variation 708377 (VCV000708377.31), dbSNP rs143121527, ClinGen allele CA4804818.

ClinVar aggregate classification (germline): Conflicting classifications of pathogenicity. Review status: criteria provided, conflicting classifications (1 of 4 stars). 6 submissions from 6 submitters: Uncertain significance (2); Likely benign (4). Last evaluated 2025-07-01.

Conditions:
Intellectual developmental disorder with dysmorphic facies, seizures, and distal limb anomalies (IDDFSDA). Identifiers: Orphanet 505237, MedGen C4479520, MONDO:0044319, OMIM 617452.
Inborn genetic diseases. Identifiers: MedGen C0950123, MeSH D030342.
Intellectual disability. Also called: Intellectual functioning disability; Intellectual developmental disorder; intellectual disabilities. Identifiers: HP:0007044, MedGen C3714756, MeSH D008607, MONDO:0001071.

Allele frequency attached by ClinVar (database versions not stated): 1000 Genomes Project 30x 0.00094; 1000 Genomes Project 0.00120; gnomAD exomes 0.00142 and 0.00275; gnomAD 0.00163 and 0.00169; TOPMed 0.00173; ExAC 0.00179; ESP Exome Variant Server 0.00185.
gnomAD v4.1: 4,223 of 1,604,256 alleles (0.26%); highest among the groups gnomAD compares: Non-Finnish European, 0.33%; 11 homozygotes.

Submissions (6):

CeGaT Center for Human Genetics Tuebingen
Classification: Likely benign. Last evaluated: 2025-07-01. Review status: criteria provided, single submitter. Criteria: CeGaT Center For Human Genetics Tuebingen Variant Classification Criteria Version 2. Collection method: clinical testing. Allele origin: germline. Affected: yes. Observed: 3 variant alleles.
Comment: OTUD6B: BP4

Fulgent Genetics
Classification: Likely benign for Intellectual developmental disorder with dysmorphic facies, seizures, and distal limb anomalies. Last evaluated: 2021-08-06. Review status: criteria provided, single submitter. Criteria: ACMG Guidelines, 2015. Collection method: clinical testing. Allele origin: unknown.

Ambry Genetics
Classification: Uncertain significance for Inborn genetic diseases. Last evaluated: 2020-10-29. Review status: criteria provided, single submitter. Criteria: Ambry Variant Classification Scheme 2023. Collection method: clinical testing. Allele origin: germline.
Comment: The c.748G>A (p.V250I) alteration is located in exon 5 (coding exon 5) of the OTUD6B gene. This alteration results from a G to A substitution at nucleotide position 748, causing the valine (V) at amino acid position 250 to be replaced by an isoleucine (I). Based on data from the Genome Aggregation Database (gnomAD) database, the OTUD6B c.748G>A alteration was observed in 0.14% (387/268968) of total alleles studied, with a frequency of 0.26% (315/121800) in the European (non-Finnish) subpopulation. This amino acid position is not well conserved and isoleucine (I) is the reference amino acid in several species. The p.V250I alteration is predicted to be tolerated by in silico analysis. Based on insufficient or conflicting evidence, the clinical significance of this alteration remains unclear.

Cambridge Genomics Laboratory, East Genomic Laboratory Hub, NHS Genomic Medicine Service
Classification: Uncertain significance for Intellectual disability. Last evaluated: 2020-04-16. Review status: criteria provided, single submitter. Criteria: ACGS Best Practice Guidelines for Variant Classification in Rare Disease 2020. Collection method: clinical testing. Allele origin: germline. Affected: yes. Observed: 1 variant allele.

Labcorp Genetics (formerly Invitae), Labcorp
Classification: Likely benign. Last evaluated: 2019-02-27. Review status: criteria provided, single submitter. Criteria: Invitae Variant Classification Sherloc (09022015). Collection method: clinical testing. Allele origin: germline.

Breakthrough Genomics
Classification: Likely benign. Review status: criteria provided, single submitter. Criteria: ACMG Guidelines, 2015. Collection method: not provided. Allele origin: germline. Inheritance: Autosomal recessive inheritance. Affected: yes.